The following is an entry in ClinVar:

ClinVar aggregate classification (germline): Uncertain significance (1 of 4 stars; one submission).

Submission:

Labcorp Genetics (formerly Invitae), Labcorp
Classification: Uncertain significance. Last evaluated: 2023-05-11. Review status: criteria provided, single submitter. Criteria: Invitae Variant Classification Sherloc (09022015). Collection method: clinical testing. Allele origin: germline.
Comment: In summary, the available evidence is currently insufficient to determine the role of this variant in disease. Therefore, it has been classified as a Variant of Uncertain Significance. An algorithm developed to predict the effect of missense changes on protein structure and function (PolyPhen-2) suggests that this variant is likely to be disruptive. This variant has not been reported in the literature in individuals affected with IFT88-related conditions. This variant is not present in population databases (gnomAD no frequency). This sequence change replaces leucine, which is neutral and non-polar, with glutamine, which is neutral and polar, at codon 540 of the IFT88 protein (p.Leu540Gln).

NM_006531.5(IFT88):c.1592T>A (p.Leu531Gln)

Gene: IFT88 (intraflagellar transport 88; plus strand). Cytogenetic location: 13q12.11.
Variant type: single nucleotide variant.
Coding change: c.1592T>A on transcript NM_006531.5 (MANE Select); coding-DNA position 1592, T replaced by A.
Protein change: p.Leu531Gln; replaces leucine 531 with glutamine.
Molecular consequence: missense variant. On other transcripts: non-coding transcript variant (4).
Genome position (GRCh38, 1-based): chr13:20,641,308, T>A. VCF-style: chr13-20641308-T-A. GRCh37 (hg19) VCF-style: chr13-21215447-T-A.
Other names: c.1535T>A, p.Leu512Gln (NM_001318491.2, NM_001353575.2); c.1619T>A, p.Leu540Gln (NM_001318493.2, NM_001353565.2, NM_001353566.2 and 2 more transcripts); c.1592T>A, p.Leu531Gln (NM_001353568.2, NM_001353572.2); c.1517T>A, p.Leu506Gln (NM_001353569.2, NM_001353570.2, NM_001353576.2 and 1 more transcripts); c.1490T>A, p.Leu497Gln (NM_001353571.2, NM_001353578.2); c.1448T>A, p.Leu483Gln (NM_001353573.2); c.1433T>A, p.Leu478Gln (NM_001353574.2); c.959T>A, p.Leu320Gln (NM_001353579.2); short protein forms L478Q, L483Q, L512Q, L540Q, L531Q, L497Q, L506Q, L320Q.
Identifiers: ClinVar variation 2863461 (VCV002863461.3), dbSNP rs2548551173, ClinGen allele CA387473919.
Genomic context (GRCh38, chr13:20,641,308, plus strand): 5'-AATGATACTTATAGATTTTCTTTTTTTTCTTCTTTTTTTAAGGCCTTACCTATGAGAAAC[T>A]AAATCGGCTAGATGAGGCTTTGGACTGTTTCCTGAAACTTCACGCAATCCTACGAAACAG-3'
Protein context (NP_006522.2, residues 521-541): LYNIGLTYEK[Leu531Gln]NRLDEALDCF